The following is an entry in ClinVar:

ClinVar aggregate classification (germline): Uncertain significance. Review status: criteria provided, multiple submitters, no conflicts (2 of 4 stars). 3 submissions from 3 submitters: Uncertain significance (3). Last evaluated 2024-12-04.

Conditions:
Hereditary cancer-predisposing syndrome. Also called: Tumor predisposition; Hereditary neoplastic syndrome; Hereditary Cancer Syndrome; Neoplastic Syndromes, Hereditary. Identifiers: Orphanet 140162, MedGen C0027672, MeSH D009386, MONDO:0015356.
Familial melanoma. Also called: Hereditary melanoma; Hereditary cutaneous melanoma. Identifiers: Orphanet 618, MedGen C1512419, MONDO:0018961.

gnomAD v4.1: 2 of 1,614,154 alleles (0.00012%); highest among the groups gnomAD compares: East Asian, 0.0022%; no homozygotes.

Submissions (3):

Quest Diagnostics Nichols Institute San Juan Capistrano
Classification: Uncertain significance. Last evaluated: 2024-12-04. Review status: criteria provided, single submitter. Criteria: Quest Diagnostics criteria. Collection method: clinical testing. Allele origin: unknown.
Comment: The CDK4 c.736C>G (p.Arg246Gly) variant has not been reported in individuals with CDK4-related conditions in the published literature. The frequency of this variant in the general population (Genome Aggregation Database) is uninformative in the assessment of its pathogenicity. Analysis of this variant using bioinformatics tools for the prediction of the effect of amino acid changes on protein structure and function yielded predictions that this variant is benign. Based on the available information, we are unable to determine the clinical significance of this variant.

Ambry Genetics
Classification: Uncertain significance for Hereditary cancer-predisposing syndrome. Last evaluated: 2022-09-16. Review status: criteria provided, single submitter. Criteria: Ambry Variant Classification Scheme 2023. Collection method: clinical testing. Allele origin: germline.
Comment: The p.R246G variant (also known as c.736C>G), located in coding exon 6 of the CDK4 gene, results from a C to G substitution at nucleotide position 736. The arginine at codon 246 is replaced by glycine, an amino acid with dissimilar properties. This amino acid position is well conserved in available vertebrate species. In addition, this alteration is predicted to be tolerated by in silico analysis. Since supporting evidence is limited at this time, the clinical significance of this alteration remains unclear.

Labcorp Genetics (formerly Invitae), Labcorp
Classification: Uncertain significance for Familial melanoma. Last evaluated: 2021-01-03. Review status: criteria provided, single submitter. Criteria: Invitae Variant Classification Sherloc (09022015). Collection method: clinical testing. Allele origin: germline.
Comment: In summary, the available evidence is currently insufficient to determine the role of this variant in disease. Therefore, it has been classified as a Variant of Uncertain Significance. Algorithms developed to predict the effect of missense changes on protein structure and function (SIFT, PolyPhen-2, Align-GVGD) all suggest that this variant is likely to be tolerated, but these predictions have not been confirmed by published functional studies and their clinical significance is uncertain. This sequence change replaces arginine with glycine at codon 246 of the CDK4 protein (p.Arg246Gly). The arginine residue is moderately conserved and there is a moderate physicochemical difference between arginine and glycine. This variant has not been reported in the literature in individuals with CDK4-related conditions. This variant is not present in population databases (ExAC no frequency).

NM_000075.4(CDK4):c.736C>G (p.Arg246Gly)

Genes: TSPAN31 (tetraspanin 31; plus strand), CDK4 (cyclin dependent kinase 4; minus strand). Cytogenetic location: 12q14.1.
Variant type: single nucleotide variant.
Coding change: c.736C>G on transcript NM_000075.4 (MANE Select); coding-DNA position 736, C replaced by G.
Protein change: p.Arg246Gly; replaces arginine 246 with glycine.
Molecular consequence: missense variant. On other transcripts: 3 prime UTR variant (3).
Genome position (GRCh38, 1-based): chr12:57,749,265, G>C on the plus strand (C>G on the coding strand, the complement: CDK4 is on the minus strand). VCF-style: chr12-57749265-G-C. GRCh37 (hg19) VCF-style: chr12-58143048-G-C.
Other names: c.*1975G>C (NM_001330168.2, NM_001330169.2, NM_005981.5); short protein forms R246G.
Identifiers: ClinVar variation 1051111 (VCV001051111.13), dbSNP rs370258992, ClinGen allele CA385543430.